The following is an entry in ClinVar:

ClinVar aggregate classification (germline): Uncertain significance. Review status: criteria provided, multiple submitters, no conflicts (2 of 4 stars). 3 submissions from 3 submitters: Uncertain significance (3). Last evaluated 2025-12-07.

Conditions:
Ataxia-telangiectasia syndrome (AT). Also called: Ataxia-telangiectasia; LOUIS-BAR SYNDROME; Ataxia-telangiectasia, complementation group D; AT, COMPLEMENTATION GROUP C; ATAXIA-TELANGIECTASIA, COMPLEMENTATION GROUP A; ATAXIA-TELANGIECTASIA, FRESNO VARIANT. Identifiers: Orphanet 100, MedGen C0004135, MONDO:0008840, OMIM 208900.
Hereditary cancer-predisposing syndrome. Also called: Tumor predisposition; Neoplastic Syndromes, Hereditary; Hereditary Cancer Syndrome; Hereditary neoplastic syndrome. Identifiers: Orphanet 140162, MedGen C0027672, MeSH D009386, MONDO:0015356.

Submissions (3):

Ambry Genetics
Classification: Uncertain significance for Hereditary cancer-predisposing syndrome. Last evaluated: 2025-12-07. Review status: criteria provided, single submitter. Criteria: Ambry Variant Classification Scheme 2023. Collection method: clinical testing. Allele origin: germline.
Comment: The p.L2953V variant (also known as c.8857C>G), located in coding exon 61 of the ATM gene, results from a C to G substitution at nucleotide position 8857. The leucine at codon 2953 is replaced by valine, an amino acid with highly similar properties. This amino acid position is conserved. In addition, this alteration is predicted to be deleterious by in silico analysis. Based on the available evidence, the clinical significance of this variant remains unclear.

Labcorp Genetics (formerly Invitae), Labcorp
Classification: Uncertain significance for Ataxia-telangiectasia syndrome. Last evaluated: 2023-05-11. Review status: criteria provided, single submitter. Criteria: Invitae Variant Classification Sherloc (09022015). Collection method: clinical testing. Allele origin: germline.
Comment: This variant has not been reported in the literature in individuals affected with ATM-related conditions. This variant is not present in population databases (gnomAD no frequency). This sequence change replaces leucine, which is neutral and non-polar, with valine, which is neutral and non-polar, at codon 2953 of the ATM protein (p.Leu2953Val). In summary, the available evidence is currently insufficient to determine the role of this variant in disease. Therefore, it has been classified as a Variant of Uncertain Significance. An algorithm developed to predict the effect of missense changes on protein structure and function (PolyPhen-2) suggests that this variant is likely to be disruptive. ClinVar contains an entry for this variant (Variation ID: 1332153).

Color Diagnostics, LLC DBA Color Health
Classification: Uncertain significance for Hereditary cancer-predisposing syndrome. Last evaluated: 2021-03-01. Review status: criteria provided, single submitter. Criteria: ACMG Guidelines, 2015. Collection method: clinical testing. Allele origin: germline.
Comment: This missense variant replaces leucine with valine at codon 2953 of the ATM protein. Computational prediction is inconclusive regarding the impact of this variant on protein structure and function (internally defined REVEL score threshold 0.5 < inconclusive < 0.7, PMID: 27666373). To our knowledge, functional studies have not been reported for this variant. This variant has not been reported in individuals affected with hereditary cancer in the literature. This variant has not been identified in the general population by the Genome Aggregation Database (gnomAD). The available evidence is insufficient to determine the role of this variant in disease conclusively. Therefore, this variant is classified as a Variant of Uncertain Significance.

NM_000051.4(ATM):c.8857C>G (p.Leu2953Val)

Genes: ATM (ATM serine/threonine kinase; plus strand), C11orf65 (chromosome 11 open reading frame 65; minus strand). Cytogenetic location: 11q22.3.
Variant type: single nucleotide variant.
Coding change: c.8857C>G on transcript NM_000051.4 (MANE Select); coding-DNA position 8857, C replaced by G.
Protein change: p.Leu2953Val; replaces leucine 2953 with valine.
Molecular consequence: missense variant. On other transcripts: intron variant (2).
Genome position (GRCh38, 1-based): chr11:108,365,088, C>G. VCF-style: chr11-108365088-C-G. GRCh37 (hg19) VCF-style: chr11-108235815-C-G.
Other names: c.8857C>G, p.Leu2953Val (NM_001351834.2); c.640+20832G>C (NM_001330368.2); c.694+20832G>C (NM_001351110.2); short protein forms L2953V.
Identifiers: ClinVar variation 1332153 (VCV001332153.7), dbSNP rs2137870068, ClinGen allele CA382529555.
Genomic context (GRCh38, chr11:108,365,088, plus strand): 5'-GTATGTGATTAAAATGTACATTGTTCTTTTAATACATATGTTCTCTCTGTTTAGGTCCTT[C>G]TATATGATCCACTCTTTGACTGGACCATGAATCCTTTGAAAGCTTTGTATTTACAGCAGA-3'
Protein context (NP_000042.3, residues 2943-2963): ETLLTIVEVL[Leu2953Val]YDPLFDWTMN